The following continues an entry in ClinVar:

NM_020975.6(RET):c.1900T>C (p.Cys634Arg)

Gene: RET. ClinVar aggregate classification (germline): Pathogenic/Likely pathogenic. Pathogenic (21); Likely pathogenic (1).

Submissions 7 to 17 of 28:

Ambry Genetics
Classification: Pathogenic for Hereditary cancer-predisposing syndrome. Last evaluated: 2024-11-22. Review status: criteria provided, single submitter. Criteria: Ambry Variant Classification Scheme 2023. Collection method: clinical testing. Allele origin: germline.
Comment: The p.C634R pathogenic mutation (also known as c.1900T>C), located in coding exon 11 of the RET gene, results from a T to C substitution at nucleotide position 1900. The cysteine at codon 634 is replaced by arginine, an amino acid with highly dissimilar properties. This mutation affects the extracellular domain of the RET protein, a receptor tyrosine kinase, and leads to ligand-independent receptor dimerization and constitutive RET signaling (Mulligan LM Nat. Rev. Cancer. 2014 Mar;14(3):173-86, Santoro et al. Science. 1995 Jan;267(5196):381-3). This mutation was first reported in a family with six members diagnosed with MEN2A over three generations (Keller et al. Hum Mol Genet. 1993 Jul2;(7):851-6). This mutation has been reported in numerous families with MEN2A across various ethnic groups (Kaserer et al. Am J Surg Pathol. 2001 Oct;25(10):1245-51; Erlic et al. Clin Cancer Res. 2009;15:6378-6385; Qi XP Thyroid. 2012 Dec;22(12):1257-65; Guo Y et al Indian J Biochem Biophys. 2013 Feb;50(1):26-31; Elisei R et al. J Clin Endocrinol Metab, 2013 Sep;98:3550-4; Birla S et al. Indian J Med Res, 2014 May;139:779-81; Ghazi AA et al. Arch Iran Med. 2014 May;17(5):378-82; Romei C et al. Clin Endocrinol (Oxf), 2015 Jun;82:892-9; Zou HJ et al. Oncol Lett, 2016 Oct;12:2657-2659; Pandit R et al. Eur. J. Endocrinol. 2016 Oct;175:311-23; Sriphrapradang C et al. Clin Med Insights Endocrinol Diabetes. 2017 Apr;10:1179551417705122). Additionally, studies have shown that substitutions at codon 634 are associated with a greater risk of pheochromocytomas (Mulligan et al. Nat. Genet. 1994 Jan;6(1):70-4; Eng et al. JAMA 1996 Nov;276(19):1575-9; Quayle et al. Surgery 2007 Dec;142(6):800-5; Imai T et al. Eur J Endocrinol, 2013 May;168:683-7). The p.C634R mutation, specifically, has been shown to be associated with the presence of hyperparathyroidism (Eng et al. JAMA 1996 Nov;276(19):1575-9). This amino acid position is highly conserved in available vertebrate species. In addition, this alteration is predicted to be deleterious by in silico analysis. Based on the supporting evidence, this alteration is interpreted as a disease-causing mutation for MEN2; however, the association of this alteration with Hirschsprung disease is unknown.

Blueprint Genetics
Classification: Pathogenic for RET-related disorders. Last evaluated: 2024-05-23. Review status: criteria provided, single submitter. Criteria: ACMG Guidelines, 2015. Collection method: clinical testing. Allele origin: germline. Affected: yes. Observed: 3 variant alleles.

Genomic Medicine Center of Excellence, King Faisal Specialist Hospital and Research Centre
Classification: Likely pathogenic for Hirschsprung disease, susceptibility to, 1. Last evaluated: 2024-04-04. Review status: criteria provided, single submitter. Criteria: ACMG Guidelines, 2015. Collection method: clinical testing. Allele origin: germline.

Myriad Genetics, Inc.
Classification: Pathogenic for Multiple endocrine neoplasia type 2A. Last evaluated: 2023-09-20. Review status: criteria provided, single submitter. Criteria: Myriad Autosomal Dominant, Autosomal Recessive and X-Linked Classification Criteria (2023). Collection method: clinical testing. Allele origin: unknown.
Comment: This variant is considered pathogenic. Functional studies indicate this variant impacts protein function [PMID: 9230192, 34905813, 32293499, 21690267]. This variant has been reported in multiple individuals with clinical features of gene-specific disease [PMID: 14561794, 23617071, 34777782, 17188172, 11900218, 25810047].

All of Us Research Program, National Institutes of Health
Classification: Pathogenic for Multiple endocrine neoplasia, type 2. Last evaluated: 2023-06-08. Review status: criteria provided, single submitter. Criteria: ACMG Guidelines, 2015. Collection method: clinical testing. Allele origin: germline. Inheritance: Autosomal dominant inheritance. Observed: 2 variant alleles, 2 heterozygotes.
Comment: This missense variant replaces cysteine with arginine at codon 634 of the RET protein. Computational prediction suggests that this variant may have deleterious impact on protein structure and function (internally defined REVEL score threshold >= 0.7, PMID: 27666373). Functional studies have demonstrated that this variant protein has constitutive kinase activity and increases transforming ability in transfected cells (PMID: 7824936, 8570194, 15472167, 21810974). This variant has been reported in individuals affected with multiple endocrine neoplasia type 2 and medullary thyroid carcinoma (PMID: 8765374, 11987030, 12000816, 19825962, 23861463, 24784869, 25027091, 25515555, 27539324, 28469506, 34441382, 34777782). This variant has been shown to segregate with disease in multiple affected families (PMID: 8103403, 23617071, 27698838, 34777782). This variant has been identified in 3/247534 chromosomes in the general population by the Genome Aggregation Database (gnomAD). Based on the available evidence, this variant is classified as Pathogenic.

This study involves interpretation of variants in research participants for the purpose of population health screening. Participant phenotype was not available at the time of variant classification. Additional details can be found in publication PMID: 35346344, PMCID: PMC8962531

Laboratory of Molecular and Cytogenetics, Department of Anatomy, All India Institute of Medical Sciences (AIIMS)
Classification: Pathogenic for Multiple endocrine neoplasia type 2A. Last evaluated: 2023-05-21. Review status: criteria provided, single submitter. Criteria: ACMG Guidelines, 2015. Collection method: clinical testing. Allele origin: germline. Affected: yes. Observed: 17 variant alleles.

Baylor Genetics
Classification: Pathogenic for Hirschsprung disease, susceptibility to, 1. Last evaluated: 2023-05-11. Review status: criteria provided, single submitter. Criteria: ACMG Guidelines, 2015. Collection method: clinical testing. Allele origin: unknown.

GeneDx
Classification: Pathogenic. Last evaluated: 2022-04-26. Review status: criteria provided, single submitter. Criteria: GeneDx Variant Classification Process June 2021. Collection method: clinical testing. Allele origin: germline. Affected: yes.
Comment: Published functional studies demonstrate a damaging effect: exhibits high transforming activity (Santoro et al., 1995; Cosci et al., 2011); Not observed at a significant frequency in large population cohorts (gnomAD); In silico analysis supports that this missense variant has a deleterious effect on protein structure/function; This variant is associated with the following publications: (PMID: 9242375, 30763276, 16158949, 11949835, 20516206, 14633923, 7824936, 21810974, 18062802, 24784869, 25515555, 28569245, 24433002, 30374431, 18495576, 29755524, 30172768, 15947103, 8103403, 12686527, 11688458, 19825962, 12000816, 8570194, 23617071, 10679286, 21449769, 12606135, 23072303, 27379493, 26572832, 25027091, 23861463, 15472167, 27539324, 23331839, 12930027, 27014456, 11987030, 27698838, 28760150, 18752792, 28469506, 26700204, 29397600, 29590403, 30139385, 29020875, 26809756, 29779047, 31666924, 31510104, 29625052, 7595170, 7907913, 8984233, 33745191, 32561571, 8909322, 9706252, 30624503)

Laboratory for Molecular Medicine, Mass General Brigham Personalized Medicine
Classification: Pathogenic for Multiple endocrine neoplasia, type 2. Last evaluated: 2020-12-10. Review status: criteria provided, single submitter. Criteria: ACMG Guidelines, 2015. Collection method: clinical testing. Allele origin: germline. Inheritance: Autosomal dominant inheritance.
Comment: The p.Cys634Arg variant in RET has been reported in in numerous individuals with multiple endocrine neoplasia type 2A (MEN2A), medullary thyroid cancer (MTC), and pheochromocytoma, including at least one reported de novo occurence (Komminoth 1996 PMID: 8765374, Vieira 2002 PMID: 11987030, Neumann 2002 PMID: 12000816, Erlic 2009 PMID: 19825962, Elisei 2013 PMID: 23861463, Ghazi 2014 PMID: 24784869, Birla 2014 PMID: 25027091, Valdes 2015 PMID: 25515555, Pandit 2016 PMID: 27539324,) and segregated with disease in multiple families (Donis-Keller 1993 PMID: 8103403, Guo 2013 PMID: 23617071, Zhou 2016 PMID: 27698838, 22900816). This variant has also been reported by other clinical laboratories in ClinVar (Variation ID: 13917) and has been identified in 0.0009% (1/113592) of European chromosomes and in 0.005% (1/18384) of East Asian chromosomes by gnomAD. In vitro functional studies in transfected cells show that the p.Cys634Arg variant exhibits high transforming activity (Orgiana 2004 PMID: 15472167, Santoro 1995 PMID: 7824936, Cosci 2011 PMID: 21810974, Borrello 1995 PMID: 8570194 ) and computational prediction tools and conservation analyses are consistent with pathogenicity. This residue is one of the most commonly altered codons in individuals affected with MEN2A (Neumann 2002 PMID:12000816). Many variants involving this codon (p.Cys634Gly, p.Cys634Tyr, p.Cys634Trp) have been identified in individuals with multiple endocrine neoplasia type 2 and are classified as pathogenic by multiple clinical laboratories in ClinVar (Variation IDs: 13908, 13909, 13918). In summary, this variant meets criteria to be classified as pathogenic for autosomal dominant MEN2. ACMG/AMP Criteria applied: PS4,PM6, PP1_Strong, PS3_supporting, PP3, PM5_Strong.

Women's Health and Genetics/Laboratory Corporation of America, LabCorp
Classification: Pathogenic for Multiple endocrine neoplasia, type 2a. Last evaluated: 2020-04-03. Review status: criteria provided, single submitter. Criteria: LabCorp Variant Classification Summary - May 2015. Collection method: clinical testing. Allele origin: germline.
Comment: Variant summary: RET c.1900T>C (p.Cys634Arg) results in a non-conservative amino acid change in the encoded protein sequence. Five of five in-silico tools predict a damaging effect of the variant on protein function. The variant allele was found at a frequency of 1.2e-05 in 247534 control chromosomes (gnomAD). c.1900T>C has been reported in the literature in multiple individuals affected with Multiple Endocrine Neoplasia Type 2A, medullary thyroid cancer and pheochromocytoma (e.g. Valdes_2015, Pandit_2016, Zou_2016). These data indicate that the variant is very likely to be associated with disease. This amino acid change was found to be the most common change found at this codon in individuals affected with MEN2A (Birla_2014). In functional studies, the variant was found to have constitutive kinase activity and increased transforming ability (e.g. Cosci_2011, Santoro_1995). Seven ClinVar submitters (evaluation after 2014) cite the variant as pathogenic/likely pathogenic. Based on the evidence outlined above, the variant was classified as pathogenic.

Athena Diagnostics
Classification: Pathogenic. Last evaluated: 2018-05-04. Review status: criteria provided, single submitter. Criteria: Athena Diagnostics Criteria. Collection method: clinical testing. Allele origin: germline.